The following is an entry in ClinVar:

NM_172351.3(CD46):c.811_816del (p.Asp271_Ser272del)

Gene: CD46 (CD46 molecule; plus strand). Cytogenetic location: 1q32.2.
Variant type: Deletion.
Coding change: c.811_816del on transcript NM_172351.3 (MANE Select); coding-DNA positions 811 to 816, 6 bases deleted (GACAGT; older notation c.811_816delGACAGT).
Protein change: p.Asp271_Ser272del.
Molecular consequence: inframe deletion.
Genome position (GRCh38, 1-based): chr1:207,767,150-207,767,155, GACAGT deleted; deleting any 6 consecutive bases within chr1:207,767,148-207,767,155 gives the same sequence; the c. name uses the placement nearest the transcript's 3' end. VCF-style (leftmost placement, unchanged base first): chr1-207767147-TGTGACA-T. GRCh37 (hg19) VCF-style: chr1-207940492-TGTGACA-T.
Other names: c.811_816del, p.Asp271_Ser272del (NM_002389.4, NM_153826.4, NM_172350.3 and 8 more transcripts).
Identifiers: ClinVar variation 17045 (VCV000017045.3), dbSNP rs1255421232, ClinGen allele CA528615551.

ClinVar aggregate classification (germline): Pathogenic/Likely pathogenic. Review status: criteria provided, multiple submitters, no conflicts (2 of 4 stars). 3 submissions from 3 submitters: Pathogenic (1); Likely pathogenic (1). 1 of the submissions does not count toward it. Last evaluated 2025-10-02.

Conditions:
Atypical hemolytic-uremic syndrome. Identifiers: Orphanet 2134, MedGen C2931788, MONDO:0016244.
Atypical hemolytic-uremic syndrome with MCP/CD46 anomaly. Also called: HEMOLYTIC UREMIC SYNDROME, ATYPICAL, SUSCEPTIBILITY TO, 2; AHUS, SUSCEPTIBILITY TO, 2. Identifiers: Orphanet 2134, MedGen C2752040, MONDO:0013040, OMIM 612922.

Submissions (3):

Genomenon, Inc
Classification: Likely pathogenic for Atypical hemolytic-uremic syndrome. Last evaluated: 2025-10-02. Review status: criteria provided, single submitter. Criteria: Genomenon Sequence Variant Interpretation Standards. Collection method: curation. Allele origin: germline. Affected: yes.
Comment: CD46 p.Asp271_Ser272del (c.811_816del) is an in-frame deletion variant that results in the deletion of two amino acids, Aspartic acid at position 271 and Serine at position 272. This variant has been observed in at least one proband affected with atypical hemolytic-uremic syndrome (PMID:20106822;32342491;25079699;19446882;14566051;22410797;27718086;29500241). The variant was found to segregate with disease in at least one affected family (PMID:14566051). Functional studies have been reported; however, the significance of the findings remain unclear (PMID:14566051). It is absent or not present at a significant frequency in gnomAD. In conclusion, we classify CD46 p.Asp271_Ser272del (c.811_816del) as a likely pathogenic variant.

MVZ Medizinische Genetik Mainz
Classification: Pathogenic for Atypical hemolytic-uremic syndrome with MCP/CD46 anomaly. Last evaluated: 2024-02-20. Review status: criteria provided, single submitter. Criteria: UK Practice Guidelines For Variant Classification V4 01 2020. Collection method: clinical testing. Allele origin: germline. Inheritance: Autosomal dominant inheritance. Affected: yes. Observed: 1 variant allele.
Comment: ACMG Criteria: PS3,PS4,PM4,PM1_SUP,PM2_SUP,PP4

OMIM
Classification: risk factor for HEMOLYTIC UREMIC SYNDROME, ATYPICAL, SUSCEPTIBILITY TO, 2. Last evaluated: 2003-10-28. Review status: no assertion criteria provided. Collection method: literature only. Allele origin: germline. Not counted in ClinVar's aggregate classification.

Literature cited by the submitters: PubMed 32342491 (cited by Genomenon, Inc); PubMed 25079699 (cited by Genomenon, Inc); PubMed 19446882 (cited by Genomenon, Inc); PubMed 14566051 (cited by Genomenon, Inc and OMIM); PubMed 22410797 (cited by Genomenon, Inc); PubMed 27718086 (cited by Genomenon, Inc); PubMed 29500241 (cited by Genomenon, Inc); PubMed 3480783 (cited by OMIM); PubMed 9551389 (cited by OMIM).